The following is an entry in ClinVar:

ClinVar aggregate classification (germline): Conflicting classifications of pathogenicity. Review status: criteria provided, conflicting classifications (1 of 4 stars). 6 submissions from 6 submitters: Uncertain significance (5); Likely benign (1). Last evaluated 2025-12-19.

Conditions:
Cardiovascular phenotype. Identifiers: MedGen CN230736.
Arrhythmogenic right ventricular dysplasia 8 (ARVD8). Also called: ARRHYTHMOGENIC RIGHT VENTRICULAR DYSPLASIA, FAMILIAL, 8; ARRHYTHMOGENIC RIGHT VENTRICULAR CARDIOMYOPATHY 8; Arrhythmogenic Right Ventricular Dysplasia/Cardiomyopathy 8. Identifiers: MedGen C1843896, MONDO:0011831, OMIM 607450.
Arrhythmogenic cardiomyopathy with wooly hair and keratoderma. Also called: PALMOPLANTAR KERATODERMA WITH LEFT VENTRICULAR CARDIOMYOPATHY AND WOOLLY HAIR; Dilated cardiomyopathy with woolly hair and keratoderma; Arrhythmogenic cardiomyopathy with woolly hair and keratoderma; Carvajal syndrome. Identifiers: Orphanet 65282, MedGen C1854063, MONDO:0011581, OMIM 605676.
Cardiomyopathy (CMYO). Also called: Cardiomyopathies. Identifiers: Orphanet 167848, MedGen C0878544, MONDO:0004994, HP:0001638. Inheritance: Various modes of inheritance.

Allele frequency attached by ClinVar (database versions not stated): gnomAD 0.00001; TOPMed 0.00001; gnomAD exomes 0.00002; ExAC 0.00005.
gnomAD v4.1: 32 of 1,613,884 alleles (0.002%); highest among the groups gnomAD compares: Non-Finnish European, 0.0026%; no homozygotes.

Submissions (6):

Labcorp Genetics (formerly Invitae), Labcorp
Classification: Likely benign for Arrhythmogenic cardiomyopathy with wooly hair and keratoderma; Arrhythmogenic right ventricular dysplasia 8. Last evaluated: 2025-12-19. Review status: criteria provided, single submitter. Criteria: Invitae Variant Classification Sherloc (09022015). Collection method: clinical testing. Allele origin: germline.

Color Diagnostics, LLC DBA Color Health
Classification: Uncertain significance for Cardiomyopathy. Last evaluated: 2025-04-15. Review status: criteria provided, single submitter. Criteria: ACMG Guidelines, 2015. Collection method: clinical testing. Allele origin: germline.
Comment: This missense variant replaces glutamic acid with lysine at codon 882 of the DSP protein. Computational prediction suggests that this variant may not impact protein structure and function. To our knowledge, functional studies have not been reported for this variant. This variant has been reported in an individual affected with arrhythmogenic right ventricular cardiomyopathy (PMID: 30847666). This variant has been identified in 6/251244 chromosomes in the general population by the Genome Aggregation Database (gnomAD). The available evidence is insufficient to determine the role of this variant in disease conclusively. Therefore, this variant is classified as a Variant of Uncertain Significance.

Ambry Genetics
Classification: Uncertain significance for Cardiovascular phenotype. Last evaluated: 2025-02-06. Review status: criteria provided, single submitter. Criteria: Ambry Variant Classification Scheme 2023. Collection method: clinical testing. Allele origin: germline.
Comment: The p.E882K variant (also known as c.2644G>A), located in coding exon 19 of the DSP gene, results from a G to A substitution at nucleotide position 2644. The glutamic acid at codon 882 is replaced by lysine, an amino acid with similar properties. This variant was detected in a cardiomyopathy genetic testing cohort; however, clinical details were limited, and additional cardiac variants were detected in some cases (van Lint FHM et al. Neth Heart J, 2019 Jun;27:304-309). This amino acid position is highly conserved in available vertebrate species. In addition, this alteration is predicted to be deleterious by in silico analysis. Since supporting evidence is limited at this time, the clinical significance of this alteration remains unclear.

All of Us Research Program, National Institutes of Health
Classification: Uncertain significance for Arrhythmogenic cardiomyopathy with wooly hair and keratoderma. Last evaluated: 2024-07-29. Review status: criteria provided, single submitter. Criteria: ACMG Guidelines, 2015. Collection method: clinical testing. Allele origin: germline. Inheritance: Autosomal dominant inheritance. Observed: 4 variant alleles, 4 heterozygotes.
Comment: This missense variant replaces glutamic acid with lysine at codon 882 of the DSP protein. Computational prediction suggests that this variant may not impact protein structure and function (internally defined REVEL score threshold <= 0.5, PMID: 27666373). To our knowledge, functional studies have not been reported for this variant. This variant has not been reported in individuals affected with cardiovascular disorders in the literature. This variant has been identified in 6/251244 chromosomes in the general population by the Genome Aggregation Database (gnomAD). The available evidence is insufficient to determine the role of this variant in disease conclusively. Therefore, this variant is classified as a Variant of Uncertain Significance.

This study involves interpretation of variants in research participants for the purpose of population health screening. Participant phenotype was not available at the time of variant classification. Additional details can be found in publication PMID: 35346344, PMCID: PMC8962531

Blueprint Genetics
Classification: Uncertain significance. Last evaluated: 2023-01-04. Review status: criteria provided, single submitter. Criteria: ACMG Guidelines, 2015. Collection method: clinical testing. Allele origin: germline.

GeneDx
Classification: Uncertain significance. Last evaluated: 2019-08-27. Review status: criteria provided, single submitter. Criteria: GeneDx Variant Classification Process June 2021. Collection method: clinical testing. Allele origin: germline. Affected: yes.
Comment: Has not been previously published as pathogenic or benign to our knowledge; Reported in ClinVar as a variant of uncertain significance (ClinVar Variant ID# 180325; Landrum et al., 2016); In silico analysis, which includes protein predictors and evolutionary conservation, supports a deleterious effect

Literature cited by the submitters: PubMed 30847666 (cited by Color Diagnostics, LLC DBA Color Health and Ambry Genetics).

NM_004415.4(DSP):c.2644G>A (p.Glu882Lys)

Gene: DSP (desmoplakin; plus strand). Cytogenetic location: 6p24.3.
Variant type: single nucleotide variant.
Coding change: c.2644G>A on transcript NM_004415.4 (MANE Select); coding-DNA position 2644, G replaced by A.
Protein change: p.Glu882Lys; replaces glutamic acid 882 with lysine.
Molecular consequence: missense variant.
Genome position (GRCh38, 1-based): chr6:7,576,307, G>A. VCF-style: chr6-7576307-G-A. GRCh37 (hg19) VCF-style: chr6-7576540-G-A.
Other names: c.2644G>A (LRG_423t1); c.2644G>A, p.Glu882Lys (NM_001008844.3, NM_001319034.2); short protein forms E882K.
Identifiers: ClinVar variation 180325 (VCV000180325.23), dbSNP rs730880081, ClinGen allele CA005457.